The following is an entry in ClinVar:

ClinVar aggregate classification (germline): Uncertain significance (1 of 4 stars; one submission).

gnomAD v4.1: 3 of 1,612,756 alleles (0.00019%); highest among the groups gnomAD compares: Admixed American, 0.0033%; no homozygotes.

Submission:

Labcorp Genetics (formerly Invitae), Labcorp
Classification: Uncertain significance. Last evaluated: 2023-03-08. Review status: criteria provided, single submitter. Criteria: Invitae Variant Classification Sherloc (09022015). Collection method: clinical testing. Allele origin: germline.
Comment: This variant is present in population databases (no rsID available, gnomAD 0.006%). This variant has not been reported in the literature in individuals affected with MYH7B-related conditions. Advanced modeling of protein sequence and biophysical properties (such as structural, functional, and spatial information, amino acid conservation, physicochemical variation, residue mobility, and thermodynamic stability) performed at Invitae indicates that this missense variant is not expected to disrupt MYH7B protein function. Algorithms developed to predict the effect of sequence changes on RNA splicing suggest that this variant may disrupt the consensus splice site. In summary, the available evidence is currently insufficient to determine the role of this variant in disease. Therefore, it has been classified as a Variant of Uncertain Significance. This sequence change replaces glycine, which is neutral and non-polar, with arginine, which is basic and polar, at codon 1771 of the MYH7B protein (p.Gly1771Arg).

NM_020884.7(MYH7B):c.5185G>C (p.Gly1729Arg)

Gene: MYH7B (myosin heavy chain 7B; plus strand). Cytogenetic location: 20q11.22.
Variant type: single nucleotide variant.
Coding change: c.5185G>C on transcript NM_020884.7 (MANE Select); coding-DNA position 5185, G replaced by C.
Protein change: p.Gly1729Arg; replaces glycine 1729 with arginine.
Molecular consequence: missense variant.
Genome position (GRCh38, 1-based): chr20:35,000,774, G>C. VCF-style: chr20-35000774-G-C. GRCh37 (hg19) VCF-style: chr20-33588577-G-C.
Other names: short protein forms G1729R.
Identifiers: ClinVar variation 2832148 (VCV002832148.3), dbSNP rs763343439, ClinGen allele CA408718562.